The following is an entry in ClinVar:

NM_000088.4(COL1A1):c.3532-12C>T

Gene: COL1A1 (collagen type I alpha 1 chain; minus strand). Cytogenetic location: 17q21.33.
Variant type: single nucleotide variant.
Coding change: c.3532-12C>T on transcript NM_000088.4 (MANE Select); 12 bases into the intron before coding-DNA position 3532, C replaced by T.
Molecular consequence: intron variant.
Genome position (GRCh38, 1-based): chr17:50,186,934, G>A on the plus strand (C>T on the coding strand, the complement: COL1A1 is on the minus strand). VCF-style: chr17-50186934-G-A. GRCh37 (hg19) VCF-style: chr17-48264295-G-A.
Identifiers: ClinVar variation 930491 (VCV000930491.11), dbSNP rs200458986, ClinGen allele CA8644407.

ClinVar aggregate classification (germline): Conflicting classifications of pathogenicity. Review status: criteria provided, conflicting classifications (1 of 4 stars). 4 submissions from 4 submitters: Uncertain significance (2); Likely benign (2). Last evaluated 2025-12-08.

Conditions:
Osteogenesis imperfecta type I (OI1). Also called: Osteogenesis imperfecta type 1; OI, TYPE I; OSTEOGENESIS IMPERFECTA TARDA; OSTEOGENESIS IMPERFECTA WITH BLUE SCLERAE; Lobstein disease; Lobstein's Disease. Identifiers: Orphanet 216796, Orphanet 666, MedGen C0023931, MONDO:0008146, OMIM 166200. Disease mechanism: loss of function.
Osteogenesis imperfecta with normal sclerae, dominant form (OI4). Also called: Osteogenesis imperfecta type 4; OSTEOGENESIS IMPERFECTA, TYPE IV, WITH DENTINOGENESIS IMPERFECTA; OSTEOGENESIS IMPERFECTA WITH NORMAL SCLERAE; Osteogenesis Imperfecta Type IV; Common Variable Osteogenesis Imperfecta with Normal Sclerae. Identifiers: Orphanet 216820, Orphanet 666, MedGen C0268363, MONDO:0008148, OMIM 166220.

Allele frequency attached by ClinVar (database versions not stated): gnomAD 0.00002 and 0.00003; TOPMed 0.00003; gnomAD exomes 0.00009; ExAC 0.00010.
gnomAD v4.1: 44 of 1,613,532 alleles (0.0027%); highest among the groups gnomAD compares: Admixed American, 0.037%; no homozygotes.

Submissions (4):

Labcorp Genetics (formerly Invitae), Labcorp
Classification: Likely benign for Osteogenesis imperfecta type I. Last evaluated: 2025-12-08. Review status: criteria provided, single submitter. Criteria: Invitae Variant Classification Sherloc (09022015). Collection method: clinical testing. Allele origin: germline.

Blueprint Genetics
Classification: Likely benign. Last evaluated: 2024-11-26. Review status: criteria provided, single submitter. Criteria: ACMG Guidelines, 2015. Collection method: clinical testing. Allele origin: germline.

Centre of Medical Genetics, University Hospital Muenster
Classification: Uncertain significance. Last evaluated: 2022-02-24. Review status: criteria provided, single submitter. Criteria: ACMG Guidelines, 2015. Collection method: clinical testing. Allele origin: germline. Affected: yes. Observed: 1 variant allele, 1 heterozygote.
Comment: ACMG categories: PM2

Centre for Mendelian Genomics, University Medical Centre Ljubljana
Classification: Uncertain significance for Osteogenesis imperfecta with normal sclerae, dominant form. Last evaluated: 2019-05-16. Review status: criteria provided, single submitter. Criteria: ACMG Guidelines, 2015. Collection method: clinical testing. Allele origin: unknown. Affected: yes.
Comment: This variant was classified as: Uncertain significance. The available evidence on this variant's pathogenicity is insufficient or conflicting. The following ACMG criteria were applied in classifying this variant: BP4.